The following is an entry in ClinVar:

NM_001378454.1(ALMS1):c.9760A>C (p.Thr3254Pro)

Gene: ALMS1 (ALMS1 centrosome and basal body associated protein; plus strand). Cytogenetic location: 2p13.1.
Variant type: single nucleotide variant.
Coding change: c.9760A>C on transcript NM_001378454.1 (MANE Select); coding-DNA position 9760, A replaced by C.
Protein change: p.Thr3254Pro; replaces threonine 3254 with proline.
Molecular consequence: missense variant.
Genome position (GRCh38, 1-based): chr2:73,519,995, A>C. VCF-style: chr2-73519995-A-C. GRCh37 (hg19) VCF-style: chr2-73747122-A-C.
Other names: c.9763A>C, p.Thr3255Pro (NM_015120.4); short protein forms T3255P, T3254P.
Identifiers: ClinVar variation 432636 (VCV000432636.3), dbSNP rs1553412796, ClinGen allele CA347281413.
Genomic context (GRCh38, chr2:73,519,995, plus strand): 5'-AACCAGAAGCTACGCAAAGCTCCTGTCAAGTTTGCCTCATCATCTTCAGTCCAACAGGTT[A>C]CTTTTTCTCGCGGCACAGATGGTAAGAGAATGTGATTGCATTTTAGATTGTTAGACCAGC-3'
Protein context (NP_001365383.1, residues 3244-3264): FASSSSVQQV[Thr3254Pro]FSRGTDGQPL

ClinVar aggregate classification (germline): Uncertain significance. Review status: criteria provided, single submitter (1 of 4 stars). 2 submissions from 2 submitters: Uncertain significance (1). 1 of the submissions does not count toward it. Last evaluated 2017-06-08.

Conditions:
Alstrom syndrome (ALMS). Identifiers: Orphanet 64, MedGen C0268425, MONDO:0008763, OMIM 203800.

Allele frequency attached by ClinVar (database versions not stated): gnomAD 0.00001; TOPMed 0.00001.
gnomAD v4.1: 2 of 1,613,990 alleles (0.00012%); highest among the groups gnomAD compares: African/African-American, 0.0013%; no homozygotes.

Submissions (2):

GeneDx
Classification: Uncertain significance. Last evaluated: 2017-06-08. Review status: criteria provided, single submitter. Criteria: GeneDx Variant Classification (06012015). Collection method: clinical testing. Allele origin: germline. Affected: yes.
Comment: The T3255P variant of uncertain significanc in the ALMS1 gene has not been published as pathogenic or been reported as benign to our knowledge. This variant was not observed in large population cohorts (Lek et al., 2016; 1000 Genomes Consortium et al., 2015; Exome Variant Server), indicating it is not a common benign variant. The T3255P variant is a non-conservative amino acid substitution, which is likely toimpact secondary protein structure as these residues differ in polarity, charge, size and/or other properties. Nevertheless, this substitution occurs at a position that is not conserved across species and where P3255 is thewild-type allele in mice. Finally, in silico analysis predicts this variant likely does not alter the proteinstructure/function. Therefore, based on the currently available information, it is unclear whether this variant is pathogenic or rare benign.

Natera, Inc.
Classification: Uncertain significance for Alstrom syndrome. Last evaluated: 2021-04-27. Review status: no assertion criteria provided. Collection method: clinical testing. Allele origin: germline. Not counted in ClinVar's aggregate classification.